The following is an entry in ClinVar:

ClinVar aggregate classification (germline): Conflicting classifications of pathogenicity. Review status: criteria provided, conflicting classifications (1 of 4 stars). 5 submissions from 4 submitters: Uncertain significance (3); Benign (1). 1 of the submissions does not count toward it. Last evaluated 2025-10-05.

Conditions:
Adams-Oliver syndrome 5 (AOS5). Identifiers: Orphanet 974, MedGen C4014970, MONDO:0014459, OMIM 616028.
NOTCH1-related disorder. Also called: NOTCH1-related condition; NOTCH1-related disorders.
Aortic valve disease 1 (AOVD1). Identifiers: MedGen C3887892, MONDO:0024523, OMIM 109730.

Allele frequency attached by ClinVar (database versions not stated): gnomAD exomes 0.00006 and 0.00009; TOPMed 0.00006; ExAC 0.00007; 1000 Genomes Project 0.00060; 1000 Genomes Project 30x 0.00062; gnomAD 0.00004 and 0.00006.
gnomAD v4.1: 91 of 1,609,448 alleles (0.0057%); highest among the groups gnomAD compares: South Asian, 0.056%; no homozygotes.

Submissions (5):

Labcorp Genetics (formerly Invitae), Labcorp
Classification: Benign for Adams-Oliver syndrome 5. Last evaluated: 2025-10-05. Review status: criteria provided, single submitter. Criteria: Invitae Variant Classification Sherloc (09022015). Collection method: clinical testing. Allele origin: germline.

GeneDx
Classification: Uncertain significance. Last evaluated: 2024-12-04. Review status: criteria provided, single submitter. Criteria: GeneDx Variant Classification Process June 2021. Collection method: clinical testing. Allele origin: germline. Affected: yes.
Comment: Has not been previously published in association with connective tissue disorders as pathogenic or benign to our knowledge; In silico analysis indicates that this missense variant does not alter protein structure/function; This variant is associated with the following publications: (PMID: 29200162)

Genome-Nilou Lab
Classification: Uncertain significance for Adams-Oliver syndrome 5. Last evaluated: 2022-03-15. Review status: criteria provided, single submitter. Criteria: ACMG Guidelines, 2015. Collection method: clinical testing. Allele origin: germline. Affected: no.

Genome-Nilou Lab
Classification: Uncertain significance for Aortic valve disease 1. Last evaluated: 2022-03-15. Review status: criteria provided, single submitter. Criteria: ACMG Guidelines, 2015. Collection method: clinical testing. Allele origin: germline. Affected: no.

PreventionGenetics, part of Exact Sciences
Classification: Likely benign for NOTCH1-related condition. Last evaluated: 2023-03-16. Review status: no assertion criteria provided. Collection method: clinical testing. Allele origin: germline. Not counted in ClinVar's aggregate classification.
Comment: This variant is classified as likely benign based on ACMG/AMP sequence variant interpretation guidelines (Richards et al. 2015 PMID: 25741868, with internal and published modifications).

NM_017617.5(NOTCH1):c.3374C>T (p.Ala1125Val)

Gene: NOTCH1 (notch receptor 1; minus strand). Cytogenetic location: 9q34.3.
Variant type: single nucleotide variant.
Coding change: c.3374C>T on transcript NM_017617.5 (MANE Select); coding-DNA position 3374, C replaced by T.
Protein change: p.Ala1125Val; replaces alanine 1125 with valine.
Molecular consequence: missense variant.
Genome position (GRCh38, 1-based): chr9:136,508,091, G>A on the plus strand (C>T on the coding strand, the complement: NOTCH1 is on the minus strand). VCF-style: chr9-136508091-G-A. GRCh37 (hg19) VCF-style: chr9-139402543-G-A.
Other names: c.3374C>T, p.Ala1125Val (LRG_1122t1); c.3374C>T (NM_017617.4); short protein forms A1125V.
Identifiers: ClinVar variation 409037 (VCV000409037.16), dbSNP rs200871631, ClinGen allele CA5340941.